The following is an entry in ClinVar:

ClinVar aggregate classification (germline): Conflicting classifications of pathogenicity. Review status: criteria provided, conflicting classifications (1 of 4 stars). 3 submissions from 3 submitters: Uncertain significance (1); Likely benign (2). Last evaluated 2025-10-14.

Conditions:
Inborn genetic diseases. Identifiers: MedGen C0950123, MeSH D030342.
Developmental and epileptic encephalopathy, 14 (DEE14). Also called: Early infantile epileptic encephalopathy 14. Identifiers: Orphanet 293181, MedGen C3554195, MONDO:0013989, OMIM 614959.
Autosomal dominant nocturnal frontal lobe epilepsy 5. Also called: KCNT1-Related Epilepsy; CILIARY DYSKINESIA, PRIMARY, 28, WITH SITUS INVERSUS; Epilepsy, nocturnal frontal lobe, 5; CILIARY DYSKINESIA, PRIMARY, 28, WITHOUT SITUS INVERSUS. Identifiers: Orphanet 98784, MedGen C3554306, MONDO:0014002, OMIM 615005.

Allele frequency attached by ClinVar (database versions not stated): gnomAD exomes 0.00001 and 0.00003; gnomAD 0.00002; TOPMed 0.00002; ExAC 0.00003.
gnomAD v4.1: 18 of 1,613,436 alleles (0.0011%); highest among the groups gnomAD compares: Admixed American, 0.01%; no homozygotes.

Submissions (3):

Ambry Genetics
Classification: Likely benign for Inborn genetic diseases. Last evaluated: 2025-10-14. Review status: criteria provided, single submitter. Criteria: Ambry Variant Classification Scheme 2023. Collection method: clinical testing. Allele origin: germline.

Labcorp Genetics (formerly Invitae), Labcorp
Classification: Likely benign for Autosomal dominant nocturnal frontal lobe epilepsy 5; Developmental and epileptic encephalopathy, 14. Last evaluated: 2025-02-24. Review status: criteria provided, single submitter. Criteria: Invitae Variant Classification Sherloc (09022015). Collection method: clinical testing. Allele origin: germline.

GeneDx
Classification: Uncertain significance. Last evaluated: 2022-06-24. Review status: criteria provided, single submitter. Criteria: GeneDx Variant Classification Process June 2021. Collection method: clinical testing. Allele origin: germline. Affected: yes.
Comment: In silico analysis supports that this missense variant does not alter protein structure/function; Has not been previously published as pathogenic or benign to our knowledge

NM_020822.3(KCNT1):c.958G>A (p.Val320Ile)

Gene: KCNT1 (potassium sodium-activated channel subfamily T member 1; plus strand). Cytogenetic location: 9q34.3.
Variant type: single nucleotide variant.
Coding change: c.958G>A on transcript NM_020822.3 (MANE Select); coding-DNA position 958, G replaced by A.
Protein change: p.Val320Ile; replaces valine 320 with isoleucine.
Molecular consequence: missense variant.
Genome position (GRCh38, 1-based): chr9:135,759,782, G>A. VCF-style: chr9-135759782-G-A. GRCh37 (hg19) VCF-style: chr9-138651628-G-A.
Other names: c.823G>A, p.Val275Ile (NM_001272003.2); short protein forms V320I, V275I.
Identifiers: ClinVar variation 1445389 (VCV001445389.10), dbSNP rs773718324, ClinGen allele CA5326713.
Genomic context (GRCh38, chr9:135,759,782, plus strand): 5'-TCCCTCCTGACCTCCTTCTACTTCTGCATCGTCACCTTCTCCACCGTGGGCTACGGTGAC[G>A]TCACGCCCAAGATCTGGCCATCGCAGCTGCTGGTGGTCATCATGATCTGCGTGGCCCTCG-3'
Protein context (NP_065873.2, residues 310-330): VTFSTVGYGD[Val320Ile]TPKIWPSQLL